The following is an entry in ClinVar:

ClinVar aggregate classification (germline): Uncertain significance (1 of 4 stars; one submission).

Conditions:
Inborn genetic diseases. Identifiers: MedGen C0950123, MeSH D030342.

Submission:

Ambry Genetics
Classification: Uncertain significance for Inborn genetic diseases. Last evaluated: 2025-06-22. Review status: criteria provided, single submitter. Criteria: Ambry Variant Classification Scheme 2023. Collection method: clinical testing. Allele origin: germline.
Comment: The p.I507F variant (also known as c.1519A>T), located in coding exon 11 of the BMPR2 gene, results from an A to T substitution at nucleotide position 1519. The isoleucine at codon 507 is replaced by phenylalanine, an amino acid with highly similar properties. This amino acid position is conserved. In addition, the in silico prediction for this alteration is inconclusive. Based on the available evidence, the clinical significance of this variant remains unclear.

NM_001204.7(BMPR2):c.1519A>T (p.Ile507Phe)

Gene: BMPR2 (bone morphogenetic protein receptor type 2; plus strand). Cytogenetic location: 2q33.2.
Variant type: single nucleotide variant.
Coding change: c.1519A>T on transcript NM_001204.7 (MANE Select); coding-DNA position 1519, A replaced by T.
Protein change: p.Ile507Phe; replaces isoleucine 507 with phenylalanine.
Molecular consequence: missense variant.
Genome position (GRCh38, 1-based): chr2:202,552,821, A>T. VCF-style: chr2-202552821-A-T. GRCh37 (hg19) VCF-style: chr2-203417544-A-T.
Other names: short protein forms I507F.
Identifiers: ClinVar variation 4214414 (VCV004214414.1).